The following is an entry in ClinVar:

ClinVar aggregate classification (germline): Conflicting classifications of pathogenicity. Review status: criteria provided, conflicting classifications (1 of 4 stars). 9 submissions from 9 submitters: Likely pathogenic (4); Uncertain significance (4). 1 of the submissions does not count toward it. Last evaluated 2026-01-11.

Conditions:
Familial hyperparathyroidism or Hypocalciuric hypercalcaemia.
Familial hypocalciuric hypercalcemia (FHH). Also called: Familial benign hypercalcemia. Identifiers: Orphanet 405, MedGen C1809471, MONDO:0018458.
Autosomal dominant hypocalcemia 1 (HYPOC1). Also called: HYPOCALCEMIA, FAMILIAL. Identifiers: MedGen C3715128, MONDO:0011013, OMIM 601198.
Nephrolithiasis/nephrocalcinosis. Identifiers: MedGen CN580796.
Familial hypocalciuric hypercalcemia 1. Also called: Hypercalcemia, familial benign type 1. Identifiers: Orphanet 405, Orphanet 93372, MedGen C0342637, MONDO:0007791, OMIM 145980.

Allele frequency attached by ClinVar (database versions not stated): gnomAD 0.00001; gnomAD exomes 0.00001.
gnomAD v4.1: 12 of 1,614,012 alleles (0.00074%); highest among the groups gnomAD compares: Non-Finnish European, 0.00093%; no homozygotes.

Submissions (9):

Labcorp Genetics (formerly Invitae), Labcorp
Classification: Likely pathogenic for Familial hypocalciuric hypercalcemia; Autosomal dominant hypocalcemia 1. Last evaluated: 2026-01-11. Review status: criteria provided, single submitter. Criteria: Invitae Variant Classification Sherloc (09022015). Collection method: clinical testing. Allele origin: germline.
Comment: This sequence change replaces glycine, which is neutral and non-polar, with arginine, which is basic and polar, at codon 36 of the CASR protein (p.Gly36Arg). This variant is not present in population databases (gnomAD no frequency). This missense change has been observed in individual(s) with clinical features of familial hypocalciuric hypercalcemia and/or hyperparathyroidism (internal data). Invitae Evidence Modeling of clinical and family history, age, sex, and reported ancestry of multiple individuals with this CASR variant has been performed. This variant is expected to be pathogenic with a positive predictive value of at least 99%. This is a validated machine learning model that incorporates the clinical features of 646,172 individuals referred to our laboratory for CASR testing. ClinVar contains an entry for this variant (Variation ID: 35774). An algorithm developed to predict the effect of missense changes on protein structure and function (PolyPhen-2) suggests that this variant is likely to be disruptive. In summary, the currently available evidence indicates that the variant is pathogenic, but additional data are needed to prove that conclusively. Therefore, this variant has been classified as Likely Pathogenic.

Mayo Clinic Laboratories, Mayo Clinic
Classification: Likely pathogenic. Last evaluated: 2025-08-05. Review status: criteria provided, single submitter. Criteria: ACMG Guidelines, 2015. Collection method: clinical testing. Allele origin: germline. Observed: 2 variant alleles.
Comment: PP2, PP3_strong, PM2_supporting, PS4_supporting

Women's Health and Genetics/Laboratory Corporation of America, LabCorp
Classification: Likely pathogenic for Familial hypocalciuric hypercalcemia. Last evaluated: 2025-07-23. Review status: criteria provided, single submitter. Criteria: LabCorp Variant Classification Summary - May 2015. Collection method: clinical testing. Allele origin: germline.
Comment: Variant summary: CASR c.106G>A (p.Gly36Arg) results in a non-conservative amino acid change in the encoded protein sequence. Algorithms developed to predict the effect of missense changes on protein structure and function all suggest that this variant is likely to be disruptive. The variant was absent in 251256 control chromosomes. c.106G>A has been observed in individual(s) affected with clinical features of familial hypocalciuric hypercalcemia and/or hyperparathyroidism (Internal data). These data indicate that the variant is likely to be associated with disease. To our knowledge, no experimental evidence demonstrating an impact on protein function has been reported. ClinVar contains an entry for this variant (Variation ID: 35774). Based on the evidence outlined above, the variant was classified as likely pathogenic.

Cambridge Genomics Laboratory, East Genomic Laboratory Hub, NHS Genomic Medicine Service
Classification: Likely pathogenic for Familial hyperparathyroidism or Hypocalciuric hypercalcaemia. Last evaluated: 2025-03-13. Review status: criteria provided, single submitter. Criteria: ACGS Best Practice Guidelines for Variant Classification in Rare Disease 2020. Collection method: clinical testing. Allele origin: germline. Affected: yes.
Comment: PM1_Supporting,PM2,PP2,PP3,PP4

Blueprint Genetics
Classification: Uncertain significance. Last evaluated: 2023-11-16. Review status: criteria provided, single submitter. Criteria: ACMG Guidelines, 2015. Collection method: clinical testing. Allele origin: germline.

Ambry Genetics
Classification: Uncertain significance for Nephrolithiasis/nephrocalcinosis. Last evaluated: 2023-07-14. Review status: criteria provided, single submitter. Criteria: Ambry Variant Classification Scheme 2023. Collection method: clinical testing. Allele origin: germline.
Comment: The p.G36R variant (also known as c.106G>A), located in coding exon 1 of the CASR gene, results from a G to A substitution at nucleotide position 106. The glycine at codon 36 is replaced by arginine, an amino acid with dissimilar properties. This amino acid position is highly conserved in available vertebrate species. In addition, this alteration is predicted to be deleterious by in silico analysis. Since supporting evidence is limited at this time, the clinical significance of this alteration remains unclear.

Athena Diagnostics
Classification: Uncertain significance. Last evaluated: 2019-12-27. Review status: criteria provided, single submitter. Criteria: Athena Diagnostics Criteria. Collection method: clinical testing. Allele origin: unknown.

GeneDx
Classification: Uncertain significance. Last evaluated: 2016-05-17. Review status: criteria provided, single submitter. Criteria: GeneDx Variant Classification (06012015). Collection method: clinical testing. Allele origin: germline. Affected: yes.
Comment: The G36R variant has not been published as a pathogenic variant, nor has it been reported as a benign variant to our knowledge. The G36R variant was not observed in approximately 6,500 individuals of European and African American ancestry in the NHLBI Exome Sequencing Project, indicating it is not a common benign variant in these populations. The G36R variant is a non-conservative amino acid substitution, which is likely to impact secondary protein structure as these residues differ in polarity, charge, size and/or other properties. This substitution occurs at a position that is conserved across species. In silico analysis predicts this variant is probably damaging to the protein structure/function. Based on the currently available information, it is unclear whether this variant is a pathogenic variant or a rare benign variant.

Cardiovascular Genetics Laboratory, PathWest Laboratory Medicine WA - Fiona Stanley Hospital
Classification: Uncertain significance for Familial hypocalciuric hypercalcemia 1. Last evaluated: 2025-02-20. Review status: no assertion criteria provided. Criteria: ACMG Guidelines, 2015. Collection method: clinical testing. Allele origin: germline. Affected: yes. Not counted in ClinVar's aggregate classification.

Literature cited by the submitters: PubMed 30019023 (cited by Mayo Clinic Laboratories, Mayo Clinic and Athena Diagnostics).

NM_000388.4(CASR):c.106G>A (p.Gly36Arg)

Gene: CASR (calcium sensing receptor; plus strand). Cytogenetic location: 3q21.1.
Variant type: single nucleotide variant.
Coding change: c.106G>A on transcript NM_000388.4 (MANE Select); coding-DNA position 106, G replaced by A.
Protein change: p.Gly36Arg; replaces glycine 36 with arginine.
Molecular consequence: missense variant.
Genome position (GRCh38, 1-based): chr3:122,254,295, G>A. VCF-style: chr3-122254295-G-A. GRCh37 (hg19) VCF-style: chr3-121973142-G-A.
Other names: c.106G>A, p.Gly36Arg (NM_001178065.2); short protein forms G36R.
Identifiers: ClinVar variation 35774 (VCV000035774.22), dbSNP rs193922420, ClinGen allele CA213559.